The following is an entry in ClinVar:

ClinVar aggregate classification (germline): Uncertain significance (1 of 4 stars; one submission).

Conditions:
Zellweger spectrum disorders (ZS). Also called: Zellweger syndrome; Zellweger Spectrum Disorder (ZSD); Zellweger Spectrum Disorder; Zellweger Spectrum. Identifiers: Orphanet 912, MedGen C0043459, MONDO:0019609.

Allele frequency attached by ClinVar (database versions not stated): gnomAD 0.00001 and 0.00003; ESP Exome Variant Server 0.00008.
gnomAD v4.1: 18 of 1,612,492 alleles (0.0011%); highest among the groups gnomAD compares: Middle Eastern, 0.016%; no homozygotes.

Submission:

Labcorp Genetics (formerly Invitae), Labcorp
Classification: Uncertain significance for Zellweger spectrum disorders. Last evaluated: 2022-08-09. Review status: criteria provided, single submitter. Criteria: Invitae Variant Classification Sherloc (09022015). Collection method: clinical testing. Allele origin: germline.
Comment: This sequence change replaces glutamine, which is neutral and polar, with lysine, which is basic and polar, at codon 367 of the PEX1 protein (p.Gln367Lys). This variant is present in population databases (rs140990231, gnomAD 0.003%). This variant has not been reported in the literature in individuals affected with PEX1-related conditions. ClinVar contains an entry for this variant (Variation ID: 1492518). Advanced modeling of protein sequence and biophysical properties (such as structural, functional, and spatial information, amino acid conservation, physicochemical variation, residue mobility, and thermodynamic stability) performed at Invitae indicates that this missense variant is not expected to disrupt PEX1 protein function. In summary, the available evidence is currently insufficient to determine the role of this variant in disease. Therefore, it has been classified as a Variant of Uncertain Significance.

NM_000466.3(PEX1):c.1099C>A (p.Gln367Lys)

Gene: PEX1 (peroxisomal biogenesis factor 1; minus strand). Cytogenetic location: 7q21.2.
Variant type: single nucleotide variant.
Coding change: c.1099C>A on transcript NM_000466.3 (MANE Select); coding-DNA position 1099, C replaced by A.
Protein change: p.Gln367Lys; replaces glutamine 367 with lysine.
Molecular consequence: missense variant.
Genome position (GRCh38, 1-based): chr7:92,517,416, G>T on the plus strand (C>A on the coding strand, the complement: PEX1 is on the minus strand). VCF-style: chr7-92517416-G-T. GRCh37 (hg19) VCF-style: chr7-92146730-G-T.
Other names: c.1099C>A, p.Gln367Lys (NM_001282677.2); c.475C>A, p.Gln159Lys (NM_001282678.2); short protein forms Q159K, Q367K.
Identifiers: ClinVar variation 1492518 (VCV001492518.3), dbSNP rs140990231, ClinGen allele CA4341492.
Genomic context (GRCh38, chr7:92,517,416, plus strand): 5'-CTACTTGTAGCACACAGGCCTTCTCATCTTCTTCATTATGATCTGACCTAATTTTTTTTT[G>T]ATCTAGTGGCTCTGACATCTGCTTCTCTTTTTCAGGTGATAACACATTTTGTTTTGTTTT-3'
Protein context (NP_000457.1, residues 357-377): KEKQMSEPLD[Gln367Lys]KKIRSDHNEE